The following is an entry in ClinVar:

ClinVar aggregate classification (germline): Uncertain significance (1 of 4 stars; one submission).

Allele frequency attached by ClinVar (database versions not stated): gnomAD 0.00001; gnomAD exomes 0.00001; TOPMed 0.00001.

Submission:

Labcorp Genetics (formerly Invitae), Labcorp
Classification: Uncertain significance. Last evaluated: 2021-12-08. Review status: criteria provided, single submitter. Criteria: Invitae Variant Classification Sherloc (09022015). Collection method: clinical testing. Allele origin: germline.
Comment: This sequence change replaces aspartic acid, which is acidic and polar, with glycine, which is neutral and non-polar, at codon 1449 of the LRP2 protein (p.Asp1449Gly). This variant is present in population databases (no rsID available, gnomAD 0.003%). This variant has not been reported in the literature in individuals affected with LRP2-related conditions. Algorithms developed to predict the effect of missense changes on protein structure and function output the following: SIFT: "Tolerated"; PolyPhen-2: "Benign"; Align-GVGD: "Class C0". The glycine amino acid residue is found in multiple mammalian species, which suggests that this missense change does not adversely affect protein function. In summary, the available evidence is currently insufficient to determine the role of this variant in disease. Therefore, it has been classified as a Variant of Uncertain Significance.

NM_004525.3(LRP2):c.4346A>G (p.Asp1449Gly)

Gene: LRP2 (LDL receptor related protein 2; minus strand). Cytogenetic location: 2q31.1.
Variant type: single nucleotide variant.
Coding change: c.4346A>G on transcript NM_004525.3 (MANE Select); coding-DNA position 4346, A replaced by G.
Protein change: p.Asp1449Gly; replaces aspartic acid 1449 with glycine.
Molecular consequence: missense variant.
Genome position (GRCh38, 1-based): chr2:169,238,251, T>C on the plus strand (A>G on the coding strand, the complement: LRP2 is on the minus strand). VCF-style: chr2-169238251-T-C. GRCh37 (hg19) VCF-style: chr2-170094761-T-C.
Other names: short protein forms D1449G.
Identifiers: ClinVar variation 2182271 (VCV002182271.1), dbSNP rs900995294, ClinGen allele CA59912657.
Genomic context (GRCh38, chr2:169,238,251, plus strand): 5'-ACAATGTAAGAACCATTCTCGACCAATGAATAGATATTGTGGACCTGGGAGGTGACACTG[T>C]CGGCAATAATTTTGTTCTGACTTGCCACAAGTAACAGCAGACTCTCAGATGCTGTTCAAG-3'
Protein context (NP_004516.2, residues 1439-1459): LVASQNKIIA[Asp1449Gly]SVTSQVHNIY